The following is an entry in ClinVar:

ClinVar aggregate classification (germline): Uncertain significance (1 of 4 stars; one submission).

Conditions:
Dilated cardiomyopathy 1Z (CMD1Z). Identifiers: Orphanet 154, MedGen C2678475, MONDO:0012745, OMIM 611879.
Hypertrophic cardiomyopathy 13. Also called: TNNC1-Related Familial Hypertrophic Cardiomyopathy. Identifiers: MedGen C2750472, MONDO:0013195, OMIM 613243.

Submission:

Labcorp Genetics (formerly Invitae), Labcorp
Classification: Uncertain significance for Hypertrophic cardiomyopathy 13; Dilated cardiomyopathy 1Z. Last evaluated: 2018-08-31. Review status: criteria provided, single submitter. Criteria: Invitae Variant Classification Sherloc (09022015). Collection method: clinical testing. Allele origin: germline.
Comment: In summary, this variant is a novel missense change with uncertain impact on protein function. It has been classified as a Variant of Uncertain Significance. Algorithms developed to predict the effect of missense changes on protein structure and function do not agree on the potential impact of this missense change (SIFT: "Tolerated"; PolyPhen-2: "Probably Damaging"; Align-GVGD: "Class C0"). This variant is not present in population databases (ExAC no frequency) and has not been reported in the literature in individuals with a TNNC1-related disease. This sequence change replaces glutamic acid with aspartic acid at codon 116 of the TNNC1 protein (p.Glu116Asp). The glutamic acid residue is highly conserved and there is a small physicochemical difference between glutamic acid and aspartic acid.

NM_003280.3(TNNC1):c.348G>T (p.Glu116Asp)

Gene: TNNC1 (troponin C1, slow skeletal and cardiac type; minus strand). Cytogenetic location: 3p21.1.
Variant type: single nucleotide variant.
Coding change: c.348G>T on transcript NM_003280.3 (MANE Select); coding-DNA position 348, G replaced by T.
Protein change: p.Glu116Asp; replaces glutamic acid 116 with aspartic acid.
Molecular consequence: missense variant.
Genome position (GRCh38, 1-based): chr3:52,451,497, C>A on the plus strand (G>T on the coding strand, the complement: TNNC1 is on the minus strand). VCF-style: chr3-52451497-C-A. GRCh37 (hg19) VCF-style: chr3-52485513-C-A.
Other names: c.348G>T (LRG_378t1); short protein forms E116D.
Identifiers: ClinVar variation 409873 (VCV000409873.6), dbSNP rs1060502610, ClinGen allele CA16611549.